The following is an entry in ClinVar:

ClinVar aggregate classification (germline): Uncertain significance (1 of 4 stars; one submission).

Conditions:
Intellectual disability, autosomal recessive 53 (NEDHSCA). Also called: GLYCOSYLPHOSPHATIDYLINOSITOL BIOSYNTHESIS DEFECT 13; Mental retardation, autosomal recessive 53; NEURODEVELOPMENTAL DISORDER WITH OR WITHOUT HYPOTONIA, SEIZURES, AND CEREBELLAR ATROPHY. Identifiers: Orphanet 488635, MedGen C4310794, MONDO:0014832, OMIM 616917.

Submission:

Labcorp Genetics (formerly Invitae), Labcorp
Classification: Uncertain significance for Mental retardation, autosomal recessive 53. Last evaluated: 2019-08-27. Review status: criteria provided, single submitter. Criteria: Invitae Variant Classification Sherloc (09022015). Collection method: clinical testing. Allele origin: germline.
Comment: A gross deletion of the genomic region encompassing the full coding sequence of the PIGG gene has been identified. The boundaries of this event are unknown as the deletion extends beyond the assayed region for this gene and therefore may encompass additional genes. Isolated whole-gene deletions PIGG have not been reported in the literature. However, larger copy number events that include this gene have been reported (PMID: 26996948). The current clinical and genetic evidence is not sufficient to establish whether loss-of-function variants in PIGG cause disease. In summary, the available evidence is currently insufficient to determine the role of this variant in disease. Therefore, it has been classified as a Variant of Uncertain Significance.

Literature cited by the submitters: PubMed 26996948.

NC_000004.11:g.(?_493105)_(533178_?)del

Genes: PIGG (phosphatidylinositol glycan anchor biosynthesis class G (EMM blood group); plus strand), ZNF721 (zinc finger protein 721; minus strand). Cytogenetic location: 4p16.3.
Variant type: Deletion.
Identifiers: ClinVar variation 542909 (VCV000542909.3).